The following is an entry in ClinVar:

ClinVar aggregate classification (germline): Likely pathogenic (1 of 4 stars; one submission).

Conditions:
Generalized epilepsy with febrile seizures plus, type 9 (GEFSP9). Also called: GEFS+, TYPE 9. Identifiers: Orphanet 36387, MedGen C4015395, MONDO:0014517, OMIM 616172.

Submission:

Labcorp Genetics (formerly Invitae), Labcorp
Classification: Likely pathogenic for Generalized epilepsy with febrile seizures plus, type 9. Last evaluated: 2022-09-07. Review status: criteria provided, single submitter. Criteria: Invitae Variant Classification Sherloc (09022015). Collection method: clinical testing. Allele origin: germline.
Comment: This frameshift has been observed in individuals with clinical features of STX1B-related epileptic encephalopathy (PMID: 30737342). It has also been observed to segregate with disease in related individuals. This variant is not present in population databases (gnomAD no frequency). This sequence change results in a frameshift in the STX1B gene (p.Thr285Aspfs*75). While this is not anticipated to result in nonsense mediated decay, it is expected to disrupt the last 4 amino acid(s) of the STX1B protein and extend the protein by 70 additional amino acid residues. In summary, the currently available evidence indicates that the variant is pathogenic, but additional data are needed to prove that conclusively. Therefore, this variant has been classified as Likely Pathogenic. ClinVar contains an entry for this variant (Variation ID: 961584).

Literature cited by the submitters: PubMed 30737342.

NM_052874.5(STX1B):c.852dup (p.Thr285fs)

Gene: STX1B (syntaxin 1B; minus strand). Cytogenetic location: 16p11.2.
Variant type: Duplication.
Coding change: c.852dup on transcript NM_052874.5 (MANE Select); coding-DNA position 852, one base duplicated (G; older notation c.852dupG).
Protein change: p.Thr285fs; shifts the reading frame from threonine 285.
Molecular consequence: frameshift variant.
Genome position (GRCh38, 1-based): chr16:30,992,836, C duplicated on the plus strand (G on the coding strand, the reverse complement: STX1B is on the minus strand); the first of 6 consecutive C bases (chr16:30,992,836-30,992,841); duplicating any one gives the same sequence. VCF-style (leftmost placement, unchanged base first): chr16-30992835-T-TC. GRCh37 (hg19) VCF-style: chr16-31004156-T-TC.
Other names: short protein forms T285fs.
Identifiers: ClinVar variation 961584 (VCV000961584.10), dbSNP rs762705451, ClinGen allele CA8018219.
Genomic context (GRCh38, chr16:30,992,835, plus strand): 5'-CGATGTGGTGGGGGAAGGGTCTGGGAGAGAGAAGGGTGGGGGGGGCCTACAAGCCCAGCG[T>TC]CCCCCCAATGGATGACGCCAAGACCACCCCCAGCACCACACAGCAAATGATGATCATGAT-3'